The following is an entry in ClinVar:

ClinVar aggregate classification (germline): other (0 of 4 stars; one submission).

Conditions:
Familial colorectal cancer. Identifiers: MedGen CN280943, MONDO:0023113. Disease mechanism: loss of function.

Submission:

Systems Biology Platform Zhejiang California International NanoSystems Institute
Classification: other for Familial colorectal cancer. Review status: no assertion criteria provided. Collection method: not provided. Allele origin: unknown.
ClinVar note: Converted during submission from cancer to other.

NM_000038.6(APC):c.646-4989T>C

Gene: APC (APC regulator of WNT signaling pathway; plus strand). Cytogenetic location: 5q22.2.
Variant type: single nucleotide variant.
Coding change: c.646-4989T>C on transcript NM_000038.6 (MANE Select); 4989 bases into the intron before coding-DNA position 646, T replaced by C.
Molecular consequence: intron variant.
Genome position (GRCh38, 1-based): chr5:112,787,457, T>C. VCF-style: chr5-112787457-T-C. GRCh37 (hg19) VCF-style: chr5-112123154-T-C.
Other names: c.646-4989T>C (NM_001354895.2, NM_001127510.3, NM_001354896.2 and 1 more transcripts); c.676-4989T>C (NM_001354897.2, NM_001354902.2); c.675+6554T>C (NM_001127511.3); c.571-4989T>C (NM_001354898.2, NM_001354904.2); c.-390-4989T>C (NM_001354906.2); c.645+6554T>C (NM_001354899.2); c.469-4989T>C (NM_001354900.2, NM_001354901.2, NM_001354905.2).
Identifiers: ClinVar variation 82461 (VCV000082461.2), dbSNP rs79164048, ClinGen allele CA012026.